The following is an entry in ClinVar:

ClinVar aggregate classification (germline): Uncertain significance (1 of 4 stars; one submission).

Conditions:
Salla disease (SD). Also called: Sialuria, Finnish type; N-acetylneuraminic acid (NANA) storage disease (NSD); Infantile sialic acid storage disorder (ISSD); Less Severe FSASD (Salla Disease). Identifiers: Orphanet 309334, Orphanet 834, MedGen C1096903, MONDO:0011449, OMIM 604369.

gnomAD v4.1: 1 of 1,614,192 alleles (0.000062%); highest among the groups gnomAD compares: Middle Eastern, 0.017%; no homozygotes.

Submission:

Labcorp Genetics (formerly Invitae), Labcorp
Classification: Uncertain significance for Salla disease. Last evaluated: 2025-07-06. Review status: criteria provided, single submitter. Criteria: Invitae Variant Classification Sherloc (09022015). Collection method: clinical testing. Allele origin: germline.
Comment: This sequence change replaces isoleucine, which is neutral and non-polar, with serine, which is neutral and polar, at codon 466 of the SLC17A5 protein (p.Ile466Ser). This variant is not present in population databases (gnomAD no frequency). This variant has not been reported in the literature in individuals affected with SLC17A5-related conditions. Invitae Evidence Modeling of protein sequence and biophysical properties (such as structural, functional, and spatial information, amino acid conservation, physicochemical variation, residue mobility, and thermodynamic stability) has been performed for this missense variant. However, the output from this modeling did not meet the statistical confidence thresholds required to predict the impact of this variant on SLC17A5 protein function. In summary, the available evidence is currently insufficient to determine the role of this variant in disease. Therefore, it has been classified as a Variant of Uncertain Significance.

NM_012434.5(SLC17A5):c.1397T>G (p.Ile466Ser)

Gene: SLC17A5 (solute carrier family 17 member 5; minus strand). Cytogenetic location: 6q13.
Variant type: single nucleotide variant.
Coding change: c.1397T>G on transcript NM_012434.5 (MANE Select); coding-DNA position 1397, T replaced by G.
Protein change: p.Ile466Ser; replaces isoleucine 466 with serine.
Molecular consequence: missense variant.
Genome position (GRCh38, 1-based): chr6:73,595,168, A>C on the plus strand (T>G on the coding strand, the complement: SLC17A5 is on the minus strand). VCF-style: chr6-73595168-A-C. GRCh37 (hg19) VCF-style: chr6-74304891-A-C.
Other names: c.1166T>G, p.Ile389Ser (NM_001382629.1); c.1306T>G, p.Leu436Val (NM_001382630.1); c.1418T>G, p.Ile473Ser (NM_001382631.1); c.1310T>G, p.Ile437Ser (NM_001382632.1); c.1495T>G, p.Leu499Val (NM_001382633.1); c.1238T>G, p.Ile413Ser (NM_001382634.1); c.1394T>G, p.Ile465Ser (NM_001382635.1); c.1079T>G, p.Ile360Ser (NM_001382636.1); short protein forms I360S, I389S, I437S, L436V, I465S, L499V, I413S, I466S.
Identifiers: ClinVar variation 4709942 (VCV004709942.1).